The following is an entry in ClinVar:

NM_000070.3(CAPN3):c.2235C>T (p.Tyr745=)

Gene: CAPN3 (calpain 3; plus strand). Cytogenetic location: 15q15.1.
Variant type: single nucleotide variant.
Coding change: c.2235C>T on transcript NM_000070.3 (MANE Select); coding-DNA position 2235, C replaced by T.
Protein change: p.Tyr745=; no amino-acid change (tyrosine 745 retained).
Molecular consequence: synonymous variant.
Genome position (GRCh38, 1-based): chr15:42,410,638, C>T. VCF-style: chr15-42410638-C-T. GRCh37 (hg19) VCF-style: chr15-42702836-C-T.
Other names: p.Tyr745=; c.2217C>T, p.Tyr739= (NM_024344.2); c.1959C>T, p.Tyr653= (NM_173087.2); c.699C>T, p.Tyr233= (NM_173088.2); c.240C>T, p.Tyr80= (NM_173089.2, NM_173090.2).
Identifiers: ClinVar variation 195552 (VCV000195552.73), dbSNP rs147774793, ClinGen allele CA242015.
Genomic context (GRCh38, chr15:42,410,638, plus strand): 5'-CTATTGCCAGAAAATTTTCAAACACTATGACACAGACCAGTCCGGCACCATCAACAGCTA[C>T]GAGATGCGAAATGCAGTCAACGACGCAGGTGCTGAGAAGGAAGGGGTGGCAGGGATGTGG-3'
Protein context (NP_000061.1, residues 735-755): DTDQSGTINS[Tyr745=]EMRNAVNDAG

ClinVar aggregate classification (germline): Conflicting classifications of pathogenicity. Review status: criteria provided, conflicting classifications (1 of 4 stars). 11 submissions from 11 submitters: Uncertain significance (2); Benign (1); Likely benign (7). 1 of the submissions does not count toward it. Last evaluated 2026-01-28.

Conditions:
Inborn genetic diseases. Identifiers: MedGen C0950123, MeSH D030342.
Autosomal recessive limb-girdle muscular dystrophy type 2A (LGMDR1). Also called: Calpainopathy; Muscular dystrophy, limb-girdle, type 2A, Amish; Limb-girdle muscular dystrophy, type 2A; LEYDEN-MOEBIUS MUSCULAR DYSTROPHY; MUSCULAR DYSTROPHY, PELVOFEMORAL. Identifiers: Orphanet 267, MedGen C1869123, MONDO:0009675, OMIM 253600. Disease mechanism: loss of function.

Allele frequency attached by ClinVar (database versions not stated): TOPMed 0.00042; gnomAD 0.00044; ESP Exome Variant Server 0.00085.
gnomAD v4.1: 1,060 of 1,613,866 alleles (0.066%); highest among the groups gnomAD compares: Non-Finnish European, 0.084%; 1 homozygote.

Submissions (11):

Labcorp Genetics (formerly Invitae), Labcorp
Classification: Likely benign for Autosomal recessive limb-girdle muscular dystrophy type 2A. Last evaluated: 2026-01-28. Review status: criteria provided, single submitter. Criteria: Invitae Variant Classification Sherloc (09022015). Collection method: clinical testing. Allele origin: germline.

CeGaT Center for Human Genetics Tuebingen
Classification: Likely benign. Last evaluated: 2025-12-01. Review status: criteria provided, single submitter. Criteria: CeGaT Center For Human Genetics Tuebingen Variant Classification Criteria Version 2. Collection method: clinical testing. Allele origin: germline. Affected: yes. Observed: 4 variant alleles.
Comment: CAPN3: BP4, BP7

Athena Diagnostics
Classification: Likely benign. Last evaluated: 2025-10-23. Review status: criteria provided, single submitter. Criteria: Athena Diagnostics Criteria. Collection method: clinical testing. Allele origin: unknown.
Comment: The frequency of this variant in the general population is higher than would generally be expected for pathogenic variants in this gene. This nucleotide position exhibits low evolutionary conservation.

Mayo Clinic Laboratories, Mayo Clinic
Classification: Likely benign. Last evaluated: 2024-11-15. Review status: criteria provided, single submitter. Criteria: ACMG Guidelines, 2015. Collection method: clinical testing. Allele origin: germline. Observed: 3 variant alleles.
Comment: BP4, BP7

Blueprint Genetics
Classification: Likely benign. Last evaluated: 2024-11-06. Review status: criteria provided, single submitter. Criteria: ACMG Guidelines, 2015. Collection method: clinical testing. Allele origin: germline.

Ambry Genetics
Classification: Likely benign for Inborn genetic diseases. Last evaluated: 2023-06-12. Review status: criteria provided, single submitter. Criteria: Ambry Variant Classification Scheme 2023. Collection method: clinical testing. Allele origin: germline.

GeneDx
Classification: Likely benign. Last evaluated: 2021-03-10. Review status: criteria provided, single submitter. Criteria: GeneDx Variant Classification Process June 2021. Collection method: clinical testing. Allele origin: germline. Affected: yes.
Comment: This variant is associated with the following publications: (PMID: 32528171)

Eurofins Ntd Llc (ga)
Classification: Uncertain significance. Last evaluated: 2018-03-27. Review status: criteria provided, single submitter. Criteria: EGL ClinVar v180209 classification definitions. Collection method: clinical testing. Allele origin: germline. Observed: 10 variant alleles, 10 heterozygotes.

Illumina Laboratory Services, Illumina
Classification: Uncertain significance for Limb-girdle muscular dystrophy, type 2A. Last evaluated: 2017-04-28. Review status: criteria provided, single submitter. Criteria: ICSL Variant Classification Criteria 13 December 2019. Collection method: clinical testing. Allele origin: germline.

PreventionGenetics, part of Exact Sciences
Classification: Benign. Review status: criteria provided, single submitter. Criteria: ACMG Guidelines, 2015. Collection method: clinical testing. Allele origin: germline.

Natera, Inc.
Classification: Uncertain significance for Limb-girdle muscular dystrophy type 2A. Last evaluated: 2020-04-17. Review status: no assertion criteria provided. Collection method: clinical testing. Allele origin: germline. Not counted in ClinVar's aggregate classification.

Literature cited by the submitters: PubMed 33771552 (cited by Athena Diagnostics); PubMed 32528171 (cited by Athena Diagnostics and Mayo Clinic Laboratories, Mayo Clinic).